The following is an entry in ClinVar:

ClinVar aggregate classification (germline): Likely benign. Review status: criteria provided, multiple submitters, no conflicts (2 of 4 stars). 4 submissions from 4 submitters: Likely benign (4). Last evaluated 2024-09-10.

Conditions:
Autosomal dominant nonsyndromic hearing loss 2A. Also called: DFNA2 Nonsyndromic Hearing Loss; Autosomal dominant nonsyndromic deafness 2A; Deafness, autosomal dominant 2A. Identifiers: Orphanet 90635, MedGen C2677637, MONDO:0010817, OMIM 600101.

Allele frequency attached by ClinVar (database versions not stated): gnomAD exomes 0.00010 and 0.00015; ExAC 0.00012; TOPMed 0.00014; 1000 Genomes Project 30x 0.00016; 1000 Genomes Project 0.00020; gnomAD 0.00023.
gnomAD v4.1: 259 of 1,613,058 alleles (0.016%); highest among the groups gnomAD compares: Middle Eastern, 0.05%; 1 homozygote.

Submissions (4):

Blueprint Genetics
Classification: Likely benign. Last evaluated: 2024-09-10. Review status: criteria provided, single submitter. Criteria: ACMG Guidelines, 2015. Collection method: clinical testing. Allele origin: germline.

Genome-Nilou Lab
Classification: Likely benign for Autosomal dominant nonsyndromic hearing loss 2A. Last evaluated: 2023-04-11. Review status: criteria provided, single submitter. Criteria: ACMG Guidelines, 2015. Collection method: clinical testing. Allele origin: germline. Affected: no.

Labcorp Genetics (formerly Invitae), Labcorp
Classification: Likely benign. Last evaluated: 2021-12-19. Review status: criteria provided, single submitter. Criteria: Invitae Variant Classification Sherloc (09022015). Collection method: clinical testing. Allele origin: germline.

Laboratory for Molecular Medicine, Mass General Brigham Personalized Medicine
Classification: Likely benign. Last evaluated: 2016-06-23. Review status: criteria provided, single submitter. Criteria: LMM Criteria. Collection method: clinical testing. Allele origin: germline. Observed: 1 variant allele.
Comment: p.Asp524Asp in Exon 11 of KCNQ4: This variant is not expected to have clinical s ignificance because it does not alter an amino acid residue and is not located w ithin the splice consensus sequence. It has been identified in 13/66394 European chromosomes by the Exome Aggregation Consortium (ExAC; dbSNP rs142739074).

NM_004700.4(KCNQ4):c.1572C>T (p.Asp524=)

Gene: KCNQ4 (potassium voltage-gated channel subfamily Q member 4; plus strand). Cytogenetic location: 1p34.2.
Variant type: single nucleotide variant.
Coding change: c.1572C>T on transcript NM_004700.4 (MANE Select); coding-DNA position 1572, C replaced by T.
Protein change: p.Asp524=; no amino-acid change (aspartic acid 524 retained).
Molecular consequence: synonymous variant.
Genome position (GRCh38, 1-based): chr1:40,833,072, C>T. VCF-style: chr1-40833072-C-T. GRCh37 (hg19) VCF-style: chr1-41298744-C-T.
Other names: c.1410C>T, p.Asp470= (NM_172163.3).
Identifiers: ClinVar variation 504606 (VCV000504606.10), dbSNP rs568177070, ClinGen allele CA794931.